The following is an entry in ClinVar:

NM_032447.5(FBN3):c.1961C>G (p.Pro654Arg)

Gene: FBN3 (fibrillin 3; minus strand). Cytogenetic location: 19p13.2.
Variant type: single nucleotide variant.
Coding change: c.1961C>G on transcript NM_032447.5 (MANE Select); coding-DNA position 1961, C replaced by G.
Protein change: p.Pro654Arg; replaces proline 654 with arginine.
Molecular consequence: missense variant.
Genome position (GRCh38, 1-based): chr19:8,131,583, G>C on the plus strand (C>G on the coding strand, the complement: FBN3 is on the minus strand). VCF-style: chr19-8131583-G-C. GRCh37 (hg19) VCF-style: chr19-8196467-G-C.
Other names: c.1961C>G, p.Pro654Arg (NM_001321431.2); short protein forms P654R.
Identifiers: ClinVar variation 4743052 (VCV004743052.1).

ClinVar aggregate classification (germline): Uncertain significance (1 of 4 stars; one submission).

gnomAD v4.1: 3 of 1,611,718 alleles (0.00019%); highest among the groups gnomAD compares: Non-Finnish European, 0.00025%; no homozygotes.

Submission:

Labcorp Genetics (formerly Invitae), Labcorp
Classification: Uncertain significance. Last evaluated: 2025-07-13. Review status: criteria provided, single submitter. Criteria: Invitae Variant Classification Sherloc (09022015). Collection method: clinical testing. Allele origin: germline.
Comment: This sequence change replaces proline, which is neutral and non-polar, with arginine, which is basic and polar, at codon 654 of the FBN3 protein (p.Pro654Arg). This variant is not present in population databases (gnomAD no frequency). This variant has not been reported in the literature in individuals affected with FBN3-related conditions. Invitae Evidence Modeling of protein sequence and biophysical properties (such as structural, functional, and spatial information, amino acid conservation, physicochemical variation, residue mobility, and thermodynamic stability) has been performed for this missense variant. However, the output from this modeling did not meet the statistical confidence thresholds required to predict the impact of this variant on FBN3 protein function. In summary, the available evidence is currently insufficient to determine the role of this variant in disease. Therefore, it has been classified as a Variant of Uncertain Significance.